The following is an entry in ClinVar:

ClinVar aggregate classification (germline): Uncertain significance (1 of 4 stars; one submission).

Submission:

GeneDx
Classification: Uncertain significance. Last evaluated: 2022-07-08. Review status: criteria provided, single submitter. Criteria: GeneDx Variant Classification Process June 2021. Collection method: clinical testing. Allele origin: germline. Affected: yes.
Comment: Not observed at significant frequency in large population cohorts (gnomAD); In silico analysis supports that this missense variant has a deleterious effect on protein structure/function; Has not been previously published as pathogenic or benign to our knowledge

NM_052867.4(NALCN):c.2506C>A (p.Pro836Thr)

Gene: NALCN (sodium leak channel, non-selective; minus strand). Cytogenetic location: 13q33.1.
Variant type: single nucleotide variant.
Coding change: c.2506C>A on transcript NM_052867.4 (MANE Select); coding-DNA position 2506, C replaced by A.
Protein change: p.Pro836Thr; replaces proline 836 with threonine.
Molecular consequence: missense variant.
Genome position (GRCh38, 1-based): chr13:101,107,560, G>T on the plus strand (C>A on the coding strand, the complement: NALCN is on the minus strand). VCF-style: chr13-101107560-G-T. GRCh37 (hg19) VCF-style: chr13-101759911-G-T.
Other names: c.2593C>A, p.Pro865Thr (NM_001350748.2); c.2506C>A, p.Pro836Thr (NM_001350749.2); c.2419C>A, p.Pro807Thr (NM_001350750.2, NM_001350751.2); short protein forms P836T, P865T, P807T.
Identifiers: ClinVar variation 1810747 (VCV001810747.1), dbSNP rs2035197045, ClinGen allele CA388670354.